The following is an entry in ClinVar:

NM_000059.4(BRCA2):c.8663G>C (p.Arg2888Pro)

Gene: BRCA2 (BRCA2 DNA repair associated; plus strand). Cytogenetic location: 13q13.1.
Variant type: single nucleotide variant.
Coding change: c.8663G>C on transcript NM_000059.4 (MANE Select); coding-DNA position 8663, G replaced by C.
Protein change: p.Arg2888Pro; replaces arginine 2888 with proline.
Molecular consequence: missense variant.
Genome position (GRCh38, 1-based): chr13:32,376,700, G>C. VCF-style: chr13-32376700-G-C. GRCh37 (hg19) VCF-style: chr13-32950837-G-C.
Other names: short protein forms R2888P.
Identifiers: ClinVar variation 52652 (VCV000052652.9), dbSNP rs80359124, ClinGen allele CA025769.

ClinVar aggregate classification (germline): Conflicting classifications of pathogenicity. Review status: criteria provided, conflicting classifications (1 of 4 stars). 4 submissions from 4 submitters: Uncertain significance (2); Likely benign (1). 1 of the submissions does not count toward it. Last evaluated 2025-09-16.

Conditions:
Hereditary breast ovarian cancer syndrome. Also called: Hereditary breast and ovarian cancer syndrome; Hereditary breast and ovarian cancer; Hereditary breast and ovarian cancer syndrome (HBOC); Breast and ovarian cancer; Hereditary breast and/or ovarian cancer syndrome; BRCA1- and BRCA2-Associated Hereditary Breast and Ovarian Cancer. Identifiers: Orphanet 145, MedGen C0677776, MeSH D061325, MONDO:0003582. Disease mechanism: loss of function.
Hereditary cancer-predisposing syndrome. Also called: Neoplastic Syndromes, Hereditary; Tumor predisposition; Hereditary neoplastic syndrome; Hereditary Cancer Syndrome. Identifiers: Orphanet 140162, MedGen C0027672, MeSH D009386, MONDO:0015356.
Breast-ovarian cancer, familial, susceptibility to, 2 (BROVCA2). Also called: BRCA2 Hereditary Breast and Ovarian Cancer. Identifiers: Orphanet 145, MedGen C2675520, MONDO:0012933, OMIM 612555. Disease mechanism: loss of function.

Submissions (4):

Ambry Genetics
Classification: Likely benign for Hereditary cancer-predisposing syndrome. Last evaluated: 2025-09-16. Review status: criteria provided, single submitter. Criteria: Ambry Variant Classification Scheme 2023. Collection method: clinical testing. Allele origin: germline.

GeneDx
Classification: Uncertain significance. Last evaluated: 2025-01-09. Review status: criteria provided, single submitter. Criteria: GeneDx Variant Classification Process June 2021. Collection method: clinical testing. Allele origin: germline. Affected: yes.
Comment: Published functional studies suggest a neutral effect: cell viability and drug sensitivity comparable to wild type (PMID: 37922907); In silico analysis indicates that this missense variant does not alter protein structure/function; Not observed at significant frequency in large population cohorts (gnomAD); Also known as 8891G>C; This variant is associated with the following publications: (PMID: 12228710, 31131967, 37922907)

Labcorp Genetics (formerly Invitae), Labcorp
Classification: Uncertain significance for Hereditary breast ovarian cancer syndrome. Last evaluated: 2022-07-06. Review status: criteria provided, single submitter. Criteria: Invitae Variant Classification Sherloc (09022015). Collection method: clinical testing. Allele origin: germline.
Comment: In summary, the available evidence is currently insufficient to determine the role of this variant in disease. Therefore, it has been classified as a Variant of Uncertain Significance. Advanced modeling of protein sequence and biophysical properties (such as structural, functional, and spatial information, amino acid conservation, physicochemical variation, residue mobility, and thermodynamic stability) performed at Invitae indicates that this missense variant is not expected to disrupt BRCA2 protein function. ClinVar contains an entry for this variant (Variation ID: 52652). This variant has not been reported in the literature in individuals affected with BRCA2-related conditions. This variant is not present in population databases (gnomAD no frequency). This sequence change replaces arginine, which is basic and polar, with proline, which is neutral and non-polar, at codon 2888 of the BRCA2 protein (p.Arg2888Pro).

Breast Cancer Information Core (BIC) (BRCA2)
Classification: Uncertain significance for Breast-ovarian cancer, familial 2. Last evaluated: 1998-07-10. Review status: no assertion criteria provided. Collection method: clinical testing. Allele origin: germline. Affected: yes. Observed: 1 variant allele. Not counted in ClinVar's aggregate classification.